The following is an entry in ClinVar:

ClinVar aggregate classification (germline): Uncertain significance (1 of 4 stars; one submission).

Submission:

Labcorp Genetics (formerly Invitae), Labcorp
Classification: Uncertain significance. Last evaluated: 2023-12-30. Review status: criteria provided, single submitter. Criteria: Invitae Variant Classification Sherloc (09022015). Collection method: clinical testing. Allele origin: germline.
Comment: This sequence change replaces asparagine, which is neutral and polar, with lysine, which is basic and polar, at codon 271 of the MSH3 protein (p.Asn271Lys). This variant is not present in population databases (gnomAD no frequency). This variant has not been reported in the literature in individuals affected with MSH3-related conditions. An algorithm developed to predict the effect of missense changes on protein structure and function (PolyPhen-2) suggests that this variant is likely to be disruptive. In summary, the available evidence is currently insufficient to determine the role of this variant in disease. Therefore, it has been classified as a Variant of Uncertain Significance.

NM_002439.5(MSH3):c.813T>A (p.Asn271Lys)

Gene: MSH3 (mutS homolog 3; plus strand). Cytogenetic location: 5q14.1.
Variant type: single nucleotide variant.
Coding change: c.813T>A on transcript NM_002439.5 (MANE Select); coding-DNA position 813, T replaced by A.
Protein change: p.Asn271Lys; replaces asparagine 271 with lysine.
Molecular consequence: missense variant.
Genome position (GRCh38, 1-based): chr5:80,672,264, T>A. VCF-style: chr5-80672264-T-A. GRCh37 (hg19) VCF-style: chr5-79968083-T-A.
Other names: short protein forms N271K.
Identifiers: ClinVar variation 3019859 (VCV003019859.3), dbSNP rs2546722367, ClinGen allele CA360267089.